The following is an entry in ClinVar:

ClinVar aggregate classification (germline): Conflicting classifications of pathogenicity. Review status: criteria provided, conflicting classifications (1 of 4 stars). 3 submissions from 3 submitters: Likely pathogenic (1); Uncertain significance (2). Last evaluated 2025-10-27.

Conditions:
Developmental and epileptic encephalopathy, 1 (DEE1). Also called: INFANTILE SPASM SYNDROME, X-LINKED 1; X-linked infantile spasms; West's syndrome; Tonic spasms with clustering, arrest of psychomotor development and hypsarrhythmia on EEG; X-Linked Infantile Spasm Syndrome; OHTAHARA SYNDROME, X-LINKED. Identifiers: MedGen C3463992, MONDO:0010632, OMIM 308350. Disease mechanism: loss of function.
Autosomal dominant nonsyndromic hearing loss 65. Also called: TBC1D24-Related Autosomal Dominant Nonsyndromic Hearing Loss (DFNA); Deafness, autosomal dominant 65. Identifiers: Orphanet 90635, MedGen C3892048, MONDO:0014470, OMIM 616044.
Inborn genetic diseases. Identifiers: MedGen C0950123, MeSH D030342.

Allele frequency attached by ClinVar (database versions not stated): ExAC 0.00001; gnomAD exomes 0.00001; gnomAD 0.00002; TOPMed 0.00001.
gnomAD v4.1: 16 of 1,613,444 alleles (0.00099%); highest among the groups gnomAD compares: East Asian, 0.013%; no homozygotes.

Submissions (3):

Labcorp Genetics (formerly Invitae), Labcorp
Classification: Likely pathogenic for Developmental and epileptic encephalopathy, 1; Autosomal dominant nonsyndromic hearing loss 65. Last evaluated: 2025-10-27. Review status: criteria provided, single submitter. Criteria: Invitae Variant Classification Sherloc (09022015). Collection method: clinical testing. Allele origin: germline.
Comment: This sequence change replaces arginine, which is basic and polar, with cysteine, which is neutral and slightly polar, at codon 65 of the TBC1D24 protein (p.Arg65Cys). This variant is present in population databases (rs750421791, gnomAD 0.004%). This variant has not been reported in the literature in individuals affected with TBC1D24-related conditions. ClinVar contains an entry for this variant (Variation ID: 942461). Invitae Evidence Modeling of protein sequence and biophysical properties (such as structural, functional, and spatial information, amino acid conservation, physicochemical variation, residue mobility, and thermodynamic stability) indicates that this missense variant is expected to disrupt TBC1D24 protein function with a positive predictive value of 95%. This variant disrupts the p.Arg65 amino acid residue in TBC1D24. Other variant(s) that disrupt this residue have been determined to be pathogenic (PMID: 30139988). This suggests that this residue is clinically significant, and that variants that disrupt this residue are likely to be disease-causing. In summary, the currently available evidence indicates that the variant is pathogenic, but additional data are needed to prove that conclusively. Therefore, this variant has been classified as Likely Pathogenic.

GeneDx
Classification: Uncertain significance. Last evaluated: 2025-02-06. Review status: criteria provided, single submitter. Criteria: GeneDx Variant Classification Process June 2021. Collection method: clinical testing. Allele origin: germline. Affected: yes.
Comment: Not observed at significant frequency in large population cohorts (gnomAD); In silico analysis supports that this missense variant has a deleterious effect on protein structure/function; Has not been previously published as pathogenic or benign to our knowledge; This variant is associated with the following publications: (PMID: 30139988)

Ambry Genetics
Classification: Uncertain significance for Inborn genetic diseases. Last evaluated: 2018-05-02. Review status: criteria provided, single submitter. Criteria: Ambry Variant Classification Scheme 2023. Collection method: clinical testing. Allele origin: germline.
Comment: The p.R65C variant (also known as c.193C>T), located in coding exon 1 of the TBC1D24 gene, results from a C to T substitution at nucleotide position 193. The arginine at codon 65 is replaced by cysteine, an amino acid with highly dissimilar properties. This amino acid position is highly conserved in available vertebrate species. In addition, this alteration is predicted to be deleterious by in silico analysis. Since supporting evidence is limited at this time, the clinical significance of this alteration remains unclear.

Literature cited by the submitters: PubMed 30139988 (cited by Labcorp Genetics (formerly Invitae), Labcorp).

NM_001199107.2(TBC1D24):c.193C>T (p.Arg65Cys)

Gene: TBC1D24 (TBC1 domain family member 24; plus strand). Cytogenetic location: 16p13.3.
Variant type: single nucleotide variant.
Coding change: c.193C>T on transcript NM_001199107.2 (MANE Select); coding-DNA position 193, C replaced by T.
Protein change: p.Arg65Cys; replaces arginine 65 with cysteine.
Molecular consequence: missense variant.
Genome position (GRCh38, 1-based): chr16:2,496,341, C>T. VCF-style: chr16-2496341-C-T. GRCh37 (hg19) VCF-style: chr16-2546342-C-T.
Other names: c.193C>T, p.Arg65Cys (NM_020705.3); short protein forms R65C.
Identifiers: ClinVar variation 942461 (VCV000942461.14), dbSNP rs750421791, ClinGen allele CA7843946.
Genomic context (GRCh38, chr16:2,496,341, plus strand): 5'-GCCCAAAGCCACGCCCTGCGGGGAAAGGTGTACCAGCGCCTGATCCGGGACATTCCCTGC[C>T]GCACGGTCACGCCTGACGCCAGCGTGTACAGCGACATCGTGGGCAAGATCGTGGGCAAGC-3'
Protein context (NP_001186036.1, residues 55-75): YQRLIRDIPC[Arg65Cys]TVTPDASVYS